The following is an entry in ClinVar:

ClinVar aggregate classification (germline): Uncertain significance. Review status: criteria provided, multiple submitters, no conflicts (2 of 4 stars). 2 submissions from 2 submitters: Uncertain significance (2). Last evaluated 2024-03-31.

Conditions:
Noonan syndrome (NS). Also called: Noonan's syndrome. Identifiers: Orphanet 648, MedGen C0028326, MeSH D009634, MONDO:0018997. Disease mechanism: gain of function.

Allele frequency attached by ClinVar (database versions not stated): gnomAD 0.00001; TOPMed 0.00002.
gnomAD v4.1: 2 of 1,611,690 alleles (0.00012%); no homozygotes.

Submissions (2):

Ambry Genetics
Classification: Uncertain significance. Last evaluated: 2024-03-31. Review status: criteria provided, single submitter. Criteria: Ambry Variant Classification Scheme 2023. Collection method: clinical testing. Allele origin: germline.
Comment: The p.Y53F variant (also known as c.158A>T), located in coding exon 2 of the RRAS gene, results from an A to T substitution at nucleotide position 158. The tyrosine at codon 53 is replaced by phenylalanine, an amino acid with highly similar properties. This amino acid position is conserved. In addition, this alteration is predicted to be tolerated by in silico analysis. Based on the available evidence, the clinical significance of this alteration remains unclear.

Labcorp Genetics (formerly Invitae), Labcorp
Classification: Uncertain significance for Noonan syndrome. Last evaluated: 2018-03-15. Review status: criteria provided, single submitter. Criteria: Invitae Variant Classification Sherloc (09022015). Collection method: clinical testing. Allele origin: germline.
Comment: In summary, the available evidence is currently insufficient to determine the role of this variant in disease. Therefore, it has been classified as a Variant of Uncertain Significance. Algorithms developed to predict the effect of missense changes on protein structure and function do not agree on the potential impact of this missense change (SIFT: "Deleterious"; PolyPhen-2: "Possibly Damaging"; Align-GVGD: "Class C0"). This variant has not been reported in the literature in individuals with RRAS-related disease. This variant is not present in population databases (ExAC no frequency). This sequence change replaces tyrosine with phenylalanine at codon 53 of the RRAS protein (p.Tyr53Phe). The tyrosine residue is highly conserved and there is a small physicochemical difference between tyrosine and phenylalanine.

NM_006270.5(RRAS):c.158A>T (p.Tyr53Phe)

Gene: RRAS (RAS related; minus strand). Cytogenetic location: 19q13.33.
Variant type: single nucleotide variant.
Coding change: c.158A>T on transcript NM_006270.5 (MANE Select); coding-DNA position 158, A replaced by T.
Protein change: p.Tyr53Phe; replaces tyrosine 53 with phenylalanine.
Molecular consequence: missense variant.
Genome position (GRCh38, 1-based): chr19:49,637,126, T>A on the plus strand (A>T on the coding strand, the complement: RRAS is on the minus strand). VCF-style: chr19-49637126-T-A. GRCh37 (hg19) VCF-style: chr19-50140383-T-A.
Other names: c.158A>T (NM_006270.3); short protein forms Y53F.
Identifiers: ClinVar variation 579337 (VCV000579337.10), dbSNP rs908791453, ClinGen allele CA309506407.